The following is an entry in ClinVar:

NR_033294.2(SNORD118):n.65G>T

Genes: TMEM107 (transmembrane protein 107; minus strand), SNORD118 (small nucleolar RNA, C/D box 118; minus strand). Cytogenetic location: 17p13.1.
Variant type: single nucleotide variant.
Molecular consequence: non-coding transcript variant (on NR_033294.2). On other transcripts: 3 prime UTR variant (5).
Genome position: GRCh38 VCF-style: chr17-8173524-C-A. GRCh37 (hg19) VCF-style: chr17-8076842-C-A.
Other names: c.*679G>T (NM_001351278.2, NM_001351279.2, NM_001351280.2 and 2 more transcripts).
Identifiers: ClinVar variation 4805811 (VCV004805811.1).

ClinVar aggregate classification (germline): Uncertain significance (1 of 4 stars; one submission).

gnomAD v4.1: 1 of 765,378 alleles (0.00013%); highest among the groups gnomAD compares: South Asian, 0.0013%; no homozygotes.

Submission:

Labcorp Genetics (formerly Invitae), Labcorp
Classification: Uncertain significance. Last evaluated: 2025-09-07. Review status: criteria provided, single submitter. Criteria: Invitae Variant Classification Sherloc (09022015). Collection method: clinical testing. Allele origin: germline.
Comment: This variant occurs in the SNORD118 gene, which encodes an RNA molecule that does not result in a protein product. This variant is present in population databases (rs769037861, gnomAD 0.003%). This variant has not been reported in the literature in individuals affected with SNORD118-related conditions. Experimental studies and prediction algorithms are not available or were not evaluated, and the functional significance of this variant is currently unknown. In summary, the available evidence is currently insufficient to determine the role of this variant in disease. Therefore, it has been classified as a Variant of Uncertain Significance.